The following is an entry in ClinVar:

ClinVar aggregate classification (germline): Uncertain significance (1 of 4 stars; one submission).

Submission:

Labcorp Genetics (formerly Invitae), Labcorp
Classification: Uncertain significance. Last evaluated: 2025-10-06. Review status: criteria provided, single submitter. Criteria: Invitae Variant Classification Sherloc (09022015). Collection method: clinical testing. Allele origin: germline.
Comment: This sequence change replaces methionine, which is neutral and non-polar, with threonine, which is neutral and polar, at codon 41 of the GUCY2C protein (p.Met41Thr). This variant is not present in population databases (gnomAD no frequency). This variant has not been reported in the literature in individuals affected with GUCY2C-related conditions. An algorithm developed to predict the effect of missense changes on protein structure and function (PolyPhen-2) suggests that this variant is likely to be tolerated. In summary, the available evidence is currently insufficient to determine the role of this variant in disease. Therefore, it has been classified as a Variant of Uncertain Significance.

NM_004963.4(GUCY2C):c.122T>C (p.Met41Thr)

Genes: GUCY2C (guanylate cyclase 2C; minus strand), GUCY2C-AS1 (GUCY2C antisense RNA 1; plus strand). Cytogenetic location: 12p12.3.
Variant type: single nucleotide variant.
Coding change: c.122T>C on transcript NM_004963.4 (MANE Select); coding-DNA position 122, T replaced by C.
Protein change: p.Met41Thr; replaces methionine 41 with threonine.
Molecular consequence: missense variant.
Genome position (GRCh38, 1-based): chr12:14,696,327, A>G on the plus strand (T>C on the coding strand, the complement: GUCY2C is on the minus strand). VCF-style: chr12-14696327-A-G. GRCh37 (hg19) VCF-style: chr12-14849261-A-G.
Other names: short protein forms M41T.
Identifiers: ClinVar variation 4728575 (VCV004728575.1).
Genomic context (GRCh38, chr12:14,696,327, plus strand): 5'-CCCTCATTCACCGCATCTTCCAAGTTTTTCAGGGGCTCTGCAAAGGCTGAGTTGCCCATC[A>G]TCAGGACGCTGATTTCATAGCTGCCATTGTGGCAGTTCTGACTCACCTGGGAACTAAAGG-3'
Protein context (NP_004954.2, residues 31-51): HNGSYEISVL[Met41Thr]MGNSAFAEPL